The following is an entry in ClinVar:

ClinVar aggregate classification (germline): Uncertain significance (1 of 4 stars; one submission).

Allele frequency attached by ClinVar (database versions not stated): gnomAD exomes below 0.00001; ExAC 0.00001.
gnomAD v4.1: 3 of 1,614,246 alleles (0.00019%); highest among the groups gnomAD compares: Middle Eastern, 0.016%; no homozygotes.

Submission:

Labcorp Genetics (formerly Invitae), Labcorp
Classification: Uncertain significance. Last evaluated: 2022-03-29. Review status: criteria provided, single submitter. Criteria: Invitae Variant Classification Sherloc (09022015). Collection method: clinical testing. Allele origin: germline.
Comment: This sequence change replaces alanine, which is neutral and non-polar, with glycine, which is neutral and non-polar, at codon 793 of the MCPH1 protein (p.Ala793Gly). This variant is present in population databases (rs781673106, gnomAD 0.003%). This variant has not been reported in the literature in individuals affected with MCPH1-related conditions. Algorithms developed to predict the effect of missense changes on protein structure and function are either unavailable or do not agree on the potential impact of this missense change (SIFT: "Not Available"; PolyPhen-2: "Possibly Damaging"; Align-GVGD: "Not Available"). In summary, the available evidence is currently insufficient to determine the role of this variant in disease. Therefore, it has been classified as a Variant of Uncertain Significance.

NM_024596.5(MCPH1):c.2378C>G (p.Ala793Gly)

Genes: MCPH1-AS1 (MCPH1 antisense RNA 1; minus strand), MCPH1 (microcephalin 1; plus strand). Cytogenetic location: 8p23.1.
Variant type: single nucleotide variant.
Coding change: c.2378C>G on transcript NM_024596.5 (MANE Select); coding-DNA position 2378, C replaced by G.
Protein change: p.Ala793Gly; replaces alanine 793 with glycine.
Molecular consequence: missense variant. On other transcripts: non-coding transcript variant (1).
Genome position (GRCh38, 1-based): chr8:6,621,617, C>G. VCF-style: chr8-6621617-C-G. GRCh37 (hg19) VCF-style: chr8-6479138-C-G.
Other names: c.2378C>G, p.Ala793Gly (NM_001322042.2, NM_001363979.1); c.2099C>G, p.Ala700Gly (NM_001363980.2); short protein forms A700G, A793G.
Identifiers: ClinVar variation 1485993 (VCV001485993.3), dbSNP rs781673106, ClinGen allele CA4611515.